The following is an entry in ClinVar:

ClinVar aggregate classification (germline): Uncertain significance (1 of 4 stars; one submission).

Conditions:
PTPRQ-related disorder. Also called: PTPRQ-related condition.

gnomAD v4.1: 28 of 1,481,834 alleles (0.0019%); highest among the groups gnomAD compares: Non-Finnish European, 0.0026%; no homozygotes.

Submission:

PreventionGenetics, part of Exact Sciences
Classification: Uncertain significance for PTPRQ-related condition. Last evaluated: 2025-07-07. Review status: criteria provided, single submitter. Criteria: ACMG Guidelines, 2015. Collection method: clinical testing. Allele origin: germline.
Comment: The PTPRQ c.29T>C variant is predicted to result in the amino acid substitution p.Leu10Pro. To our knowledge, this variant has not been reported in the literature. This variant is reported in 0.0017% of alleles in individuals of European (Non-Finnish) descent in gnomAD. At this time, the clinical significance of this variant is uncertain due to the absence of conclusive functional and genetic evidence.

NM_001145026.2(PTPRQ):c.29T>C (p.Leu10Pro)

Gene: PTPRQ (protein tyrosine phosphatase receptor type Q; plus strand). Cytogenetic location: 12q21.31.
Variant type: single nucleotide variant.
Coding change: c.29T>C on transcript NM_001145026.2 (MANE Select); coding-DNA position 29, T replaced by C.
Protein change: p.Leu10Pro; replaces leucine 10 with proline.
Molecular consequence: missense variant.
Genome position (GRCh38, 1-based): chr12:80,444,374, T>C. VCF-style: chr12-80444374-T-C. GRCh37 (hg19) VCF-style: chr12-80838154-T-C.
Other names: short protein forms L10P.
Identifiers: ClinVar variation 4982066 (VCV004982066.1).